The following is an entry in ClinVar:

ClinVar aggregate classification (germline): Uncertain significance. Review status: criteria provided, multiple submitters, no conflicts (2 of 4 stars). 4 submissions from 4 submitters: Uncertain significance (4). Last evaluated 2025-12-16.

Conditions:
TTN-related disorder. Also called: TTN-related condition; TTN-related disease; TTN-related disorders.
Cardiovascular phenotype. Identifiers: MedGen CN230736.

Allele frequency attached by ClinVar (database versions not stated): TOPMed 0.00003; ExAC 0.00001; gnomAD exomes 0.00002 and 0.00003.
gnomAD v4.1: 35 of 1,613,598 alleles (0.0022%); highest among the groups gnomAD compares: South Asian, 0.025%; 1 homozygote.

Submissions (4):

PreventionGenetics, part of Exact Sciences
Classification: Uncertain significance for TTN-related condition. Last evaluated: 2025-12-16. Review status: criteria provided, single submitter. Criteria: ACMG Guidelines, 2015. Collection method: clinical testing. Allele origin: germline.
Comment: The TTN c.101479C>T variant is predicted to result in the amino acid substitution p.Arg33827Cys. To our knowledge, this variant has not been reported in the literature. This variant is reported in 0.020% of alleles in individuals of South Asian descent in gnomAD. At this time, the clinical significance of this variant is uncertain due to the absence of conclusive functional and genetic evidence.

New York Genome Center
Classification: Uncertain significance. Last evaluated: 2021-04-10. Review status: criteria provided, single submitter. Criteria: NYGC Assertion Criteria 2020. Collection method: clinical testing. Allele origin: inherited. Observed: 1 heterozygote. Study: CSER-NYCKidSeq.

Ambry Genetics
Classification: Uncertain significance for Cardiovascular phenotype. Last evaluated: 2019-06-27. Review status: criteria provided, single submitter. Criteria: Ambry Variant Classification Scheme 2023. Collection method: clinical testing. Allele origin: germline.
Comment: The p.R24762C variant (also known as c.74284C>T), located in coding exon 185 of the TTN gene, results from a C to T substitution at nucleotide position 74284. The arginine at codon 24762 is replaced by cysteine, an amino acid with highly dissimilar properties. This amino acid position is well conserved in available vertebrate species. In addition, the in silico prediction for this alteration is inconclusive. Since supporting evidence is limited at this time, the clinical significance of this alteration remains unclear.

Eurofins Ntd Llc (ga)
Classification: Uncertain significance. Last evaluated: 2017-07-27. Review status: criteria provided, single submitter. Criteria: EGL Classification Definitions 2015. Collection method: clinical testing. Allele origin: germline. Observed: 1 variant allele, 1 heterozygote.

NM_001267550.2(TTN):c.101479C>T (p.Arg33827Cys)

Genes: TTN (titin; minus strand), TTN-AS1 (TTN antisense RNA 1; plus strand). Cytogenetic location: 2q31.2.
Variant type: single nucleotide variant.
Coding change: c.101479C>T on transcript NM_001267550.2 (MANE Select); coding-DNA position 101479, C replaced by T.
Protein change: p.Arg33827Cys; replaces arginine 33827 with cysteine.
Molecular consequence: missense variant.
Genome position (GRCh38, 1-based): chr2:178,535,136, G>A on the plus strand (C>T on the coding strand, the complement: TTN is on the minus strand). VCF-style: chr2-178535136-G-A. GRCh37 (hg19) VCF-style: chr2-179399863-G-A.
Other names: c.96556C>T, p.Arg32186Cys (NM_001256850.1); c.74284C>T, p.Arg24762Cys (NM_003319.4); c.93775C>T, p.Arg31259Cys (NM_133378.4); c.74659C>T, p.Arg24887Cys (NM_133432.3); c.74860C>T, p.Arg24954Cys (NM_133437.4); short protein forms R33827C, R31259C, R24887C, R24954C, R24762C, R32186C.
Identifiers: ClinVar variation 593299 (VCV000593299.9), dbSNP rs372067498, ClinGen allele CA1985880.